The following is an entry in ClinVar:

NM_174936.4(PCSK9):c.247A>G (p.Lys83Glu)

Gene: PCSK9 (proprotein convertase subtilisin/kexin type 9; plus strand). Cytogenetic location: 1p32.3.
Variant type: single nucleotide variant.
Coding change: c.247A>G on transcript NM_174936.4 (MANE Select); coding-DNA position 247, A replaced by G.
Protein change: p.Lys83Glu; replaces lysine 83 with glutamic acid.
Molecular consequence: missense variant.
Genome position (GRCh38, 1-based): chr1:55,043,882, A>G. VCF-style: chr1-55043882-A-G. GRCh37 (hg19) VCF-style: chr1-55509555-A-G.
Other names: short protein forms K83E.
Identifiers: ClinVar variation 629199 (VCV000629199.5), dbSNP rs1557499351, ClinGen allele CA340483588.

ClinVar aggregate classification (germline): Uncertain significance. Review status: criteria provided, multiple submitters, no conflicts (2 of 4 stars). 2 submissions from 2 submitters: Uncertain significance (2). Last evaluated 2023-12-05.

Conditions:
Familial hypercholesterolemia. Also called: Familial hypercholesterolemias; Familial hypercholesterolaemia. Identifiers: MedGen C0020445, MONDO:0005439.
Hypercholesterolemia, autosomal dominant, 3 (FHCL3). Also called: Familial Hypercholesterolemia, Autosomal Dominant, 3; PCSK9-Related Familial Hypercholesterolemia, Autosomal Dominant; Familial hypercholesterolemia 3. Identifiers: MedGen C1863551, MONDO:0011369, OMIM 603776.

Submissions (2):

Color Diagnostics, LLC DBA Color Health
Classification: Uncertain significance for Familial hypercholesterolemia. Last evaluated: 2023-12-05. Review status: criteria provided, single submitter. Criteria: ACMG Guidelines, 2015. Collection method: clinical testing. Allele origin: germline.
Comment: Variant of Uncertain Significance due to insufficient evidence: This missense variant is located in the propeptide domain of the PCSK9 protein. Computational prediction tools and conservation analyses suggest that this variant may not impact the protein function. Computational splicing tools suggest that this variant may not impact the RNA splicing. To our knowledge, functional assays have not been performed for this variant nor has this variant been reported in individuals affected with familial hypercholesterolemia in the literature. This variant is rare in the general population and has been identified in 0/277264 chromosomes by the Genome Aggregation Database (gnomAD). Available evidence is insufficient to determine the pathogenicity of this variant conclusively.

Fulgent Genetics
Classification: Uncertain significance for Hypercholesterolemia, autosomal dominant, 3. Last evaluated: 2021-10-08. Review status: criteria provided, single submitter. Criteria: ACMG Guidelines, 2015. Collection method: clinical testing. Allele origin: unknown.